The following is an entry in ClinVar:

NM_030665.4(RAI1):c.5192A>G (p.Glu1731Gly)

Gene: RAI1 (retinoic acid induced 1; plus strand). Cytogenetic location: 17p11.2.
Variant type: single nucleotide variant.
Coding change: c.5192A>G on transcript NM_030665.4 (MANE Select); coding-DNA position 5192, A replaced by G.
Protein change: p.Glu1731Gly; replaces glutamic acid 1731 with glycine.
Molecular consequence: missense variant.
Genome position (GRCh38, 1-based): chr17:17,798,140, A>G. VCF-style: chr17-17798140-A-G. GRCh37 (hg19) VCF-style: chr17-17701454-A-G.
Other names: short protein forms E1731G.
Identifiers: ClinVar variation 1983343 (VCV001983343.4), dbSNP rs2543624919, ClinGen allele CA398558544.
Genomic context (GRCh38, chr17:17,798,140, plus strand): 5'-GCCTCCCCAAAAAGAAGCCAAAACTCAAGGAGAAGGTGCGGCCAGAAGGCACCTGTGAGG[A>G]GGCCTCGCTGCCGCTTGAGAGAACACTCAAAGGTCCCGAGTGTGCAGCTGCCGCCACTGC-3'
Protein context (NP_109590.3, residues 1721-1741): EKVRPEGTCE[Glu1731Gly]ASLPLERTLK

ClinVar aggregate classification (germline): Uncertain significance (1 of 4 stars; one submission).

Submission:

Labcorp Genetics (formerly Invitae), Labcorp
Classification: Uncertain significance. Last evaluated: 2022-06-22. Review status: criteria provided, single submitter. Criteria: Invitae Variant Classification Sherloc (09022015). Collection method: clinical testing. Allele origin: germline.
Comment: This sequence change replaces glutamic acid, which is acidic and polar, with glycine, which is neutral and non-polar, at codon 1731 of the RAI1 protein (p.Glu1731Gly). This variant is not present in population databases (gnomAD no frequency). This variant has not been reported in the literature in individuals affected with RAI1-related conditions. Algorithms developed to predict the effect of missense changes on protein structure and function are either unavailable or do not agree on the potential impact of this missense change (SIFT: "Deleterious"; PolyPhen-2: "Benign"; Align-GVGD: "Class C0"). In summary, the available evidence is currently insufficient to determine the role of this variant in disease. Therefore, it has been classified as a Variant of Uncertain Significance.